The following is an entry in ClinVar:

ClinVar aggregate classification (germline): Likely pathogenic (1 of 4 stars; one submission).

Conditions:
Thyroid dyshormonogenesis 6 (TDH6). Also called: HYPOTHYROIDISM, CONGENITAL, DUE TO DYSHORMONOGENESIS, 6; THYROID HORMONOGENESIS, GENETIC DEFECT IN, 6; Genetic transient congenital hypothyroidism. Identifiers: Orphanet 226316, Orphanet 95716, MedGen C1846632, MONDO:0011792, OMIM 607200.

gnomAD v4.1: 7 of 1,535,400 alleles (0.00046%); highest among the groups gnomAD compares: East Asian, 0.013%; no homozygotes.

Submission:

Juno Genomics, Hangzhou Juno Genomics, Inc
Classification: Likely pathogenic for Thyroid dyshormonogenesis 6. Review status: criteria provided, single submitter. Criteria: ACMG Guidelines, 2015. Collection method: clinical testing. Allele origin: germline.
Comment: Absent from controls (or at extremely low frequency if recessive) in Genome Aggregation Database.;Null variant in a gene where loss of function (LOF) is a known mechanism of disease.

NM_001363711.2(DUOX2):c.514-1G>A

Gene: DUOX2 (dual oxidase 2; minus strand). Cytogenetic location: 15q21.1.
Variant type: single nucleotide variant.
Coding change: c.514-1G>A on transcript NM_001363711.2 (MANE Select); the canonical splice acceptor site of the intron before coding-DNA position 514, G replaced by A.
Molecular consequence: splice acceptor variant.
Genome position (GRCh38, 1-based): chr15:45,111,586, C>T on the plus strand (G>A on the coding strand, the complement: DUOX2 is on the minus strand). VCF-style: chr15-45111586-C-T. GRCh37 (hg19) VCF-style: chr15-45403784-C-T.
Other names: c.514-1G>A (NM_014080.5).
Identifiers: ClinVar variation 5018617 (VCV005018617.2).